The following is an entry in ClinVar:

ClinVar aggregate classification (germline): Uncertain significance. Review status: criteria provided, multiple submitters, no conflicts (2 of 4 stars). 3 submissions from 3 submitters: Uncertain significance (3). Last evaluated 2025-08-20.

Conditions:
Familial adenomatous polyposis 3. Also called: NTHL1-associated polyposis; NTHL1 Tumor Syndrome; NTHL1-Related Adenomatous Polyposis and Colorectal Cancer; NTHL1-related attenuated familial adenomatous polyposis. Identifiers: Orphanet 220460, Orphanet 454840, MedGen C4225157, MONDO:0014630, OMIM 616415.
Hereditary cancer-predisposing syndrome. Also called: Neoplastic Syndromes, Hereditary; Tumor predisposition; Hereditary Cancer Syndrome; Hereditary neoplastic syndrome. Identifiers: Orphanet 140162, MedGen C0027672, MeSH D009386, MONDO:0015356.

Allele frequency attached by ClinVar (database versions not stated): TOPMed 0.00001.

Submissions (3):

Labcorp Genetics (formerly Invitae), Labcorp
Classification: Uncertain significance. Last evaluated: 2025-08-20. Review status: criteria provided, single submitter. Criteria: Invitae Variant Classification Sherloc (09022015). Collection method: clinical testing. Allele origin: germline.
Comment: This sequence change replaces threonine, which is neutral and polar, with isoleucine, which is neutral and non-polar, at codon 262 of the NTHL1 protein (p.Thr262Ile). This variant is not present in population databases (gnomAD no frequency). This variant has not been reported in the literature in individuals affected with NTHL1-related conditions. ClinVar contains an entry for this variant (Variation ID: 938905). An algorithm developed to predict the effect of missense changes on protein structure and function (PolyPhen-2) suggests that this variant is likely to be disruptive. In summary, the available evidence is currently insufficient to determine the role of this variant in disease. Therefore, it has been classified as a Variant of Uncertain Significance.

Ambry Genetics
Classification: Uncertain significance for Hereditary cancer-predisposing syndrome. Last evaluated: 2024-03-22. Review status: criteria provided, single submitter. Criteria: Ambry Variant Classification Scheme 2023. Collection method: clinical testing. Allele origin: germline.
Comment: The p.T262I variant (also known as c.785C>T), located in coding exon 5 of the NTHL1 gene, results from a C to T substitution at nucleotide position 785. The threonine at codon 262 is replaced by isoleucine, an amino acid with similar properties. This amino acid position is conserved. In addition, the in silico prediction for this alteration is inconclusive. Based on the available evidence, the clinical significance of this alteration remains unclear.

Baylor Genetics
Classification: Uncertain significance for Familial adenomatous polyposis 3. Last evaluated: 2023-09-17. Review status: criteria provided, single submitter. Criteria: ACMG Guidelines, 2015. Collection method: clinical testing. Allele origin: unknown.

NM_002528.7(NTHL1):c.761C>T (p.Thr254Ile)

Gene: NTHL1 (nth like DNA glycosylase 1; minus strand). Cytogenetic location: 16p13.3.
Variant type: single nucleotide variant.
Coding change: c.761C>T on transcript NM_002528.7 (MANE Select); coding-DNA position 761, C replaced by T.
Protein change: p.Thr254Ile; replaces threonine 254 with isoleucine.
Molecular consequence: missense variant.
Genome position (GRCh38, 1-based): chr16:2,040,163, G>A on the plus strand (C>T on the coding strand, the complement: NTHL1 is on the minus strand). VCF-style: chr16-2040163-G-A. GRCh37 (hg19) VCF-style: chr16-2090164-G-A.
Other names: c.785C>T (NM_002528.5); c.590C>T, p.Thr197Ile (NM_001318193.2); c.431C>T, p.Thr144Ile (NM_001318194.2); short protein forms T144I, T197I, T254I.
Identifiers: ClinVar variation 938905 (VCV000938905.7), dbSNP rs749047684, ClinGen allele CA394288810.